The following is an entry in ClinVar:

NM_000135.4(FANCA):c.1847C>G (p.Ser616Cys)

Gene: FANCA (FA complementation group A; minus strand). Cytogenetic location: 16q24.3.
Variant type: single nucleotide variant.
Coding change: c.1847C>G on transcript NM_000135.4 (MANE Select); coding-DNA position 1847, C replaced by G.
Protein change: p.Ser616Cys; replaces serine 616 with cysteine.
Molecular consequence: missense variant.
Genome position (GRCh38, 1-based): chr16:89,775,795, G>C on the plus strand (C>G on the coding strand, the complement: FANCA is on the minus strand). VCF-style: chr16-89775795-G-C. GRCh37 (hg19) VCF-style: chr16-89842203-G-C.
Other names: c.1847C>G, p.Ser616Cys (NM_001286167.3); short protein forms S616C.
Identifiers: ClinVar variation 4022143 (VCV004022143.1).

ClinVar aggregate classification (germline): Uncertain significance (1 of 4 stars; one submission).

Conditions:
Inborn genetic diseases. Identifiers: MedGen C0950123, MeSH D030342.

gnomAD v4.1: 7 of 1,612,480 alleles (0.00043%); highest among the groups gnomAD compares: Admixed American, 0.0033%; no homozygotes.

Submission:

Ambry Genetics
Classification: Uncertain significance for Inborn genetic diseases. Last evaluated: 2025-04-02. Review status: criteria provided, single submitter. Criteria: Ambry Variant Classification Scheme 2023. Collection method: clinical testing. Allele origin: germline.
Comment: The p.S616C variant (also known as c.1847C>G), located in coding exon 21 of the FANCA gene, results from a C to G substitution at nucleotide position 1847. The serine at codon 616 is replaced by cysteine, an amino acid with dissimilar properties. This amino acid position is conserved. In addition, the in silico prediction for this alteration is inconclusive. Based on the available evidence, the clinical significance of this variant remains unclear.